The following is an entry in ClinVar:

ClinVar aggregate classification (germline): Uncertain significance. Review status: criteria provided, multiple submitters, no conflicts (2 of 4 stars). 3 submissions from 3 submitters: Uncertain significance (3). Last evaluated 2025-12-11.

Conditions:
Adams-Oliver syndrome 5 (AOS5). Identifiers: Orphanet 974, MedGen C4014970, MONDO:0014459, OMIM 616028.
Familial thoracic aortic aneurysm and aortic dissection (TAAD). Also called: Thoracic aortic aneurysms and dissections. Identifiers: Orphanet 91387, MedGen C4707243, MONDO:0019625.

Submissions (3):

Labcorp Genetics (formerly Invitae), Labcorp
Classification: Uncertain significance for Adams-Oliver syndrome 5. Last evaluated: 2025-12-11. Review status: criteria provided, single submitter. Criteria: Invitae Variant Classification Sherloc (09022015). Collection method: clinical testing. Allele origin: germline.
Comment: This variant, c.7230_7232dup, results in the insertion of 1 amino acid(s) of the NOTCH1 protein (p.Pro2415dup), but otherwise preserves the integrity of the reading frame. This variant is not present in population databases (gnomAD no frequency). This variant has not been reported in the literature in individuals affected with NOTCH1-related conditions. ClinVar contains an entry for this variant (Variation ID: 1757818). Experimental studies and prediction algorithms are not available or were not evaluated, and the functional significance of this variant is currently unknown. In summary, the available evidence is currently insufficient to determine the role of this variant in disease. Therefore, it has been classified as a Variant of Uncertain Significance.

GeneDx
Classification: Uncertain significance. Last evaluated: 2022-10-13. Review status: criteria provided, single submitter. Criteria: GeneDx Variant Classification Process June 2021. Collection method: clinical testing. Allele origin: germline. Affected: yes.
Comment: Has not been previously published as pathogenic or benign to our knowledge; Not observed at significant frequency in large population cohorts (gnomAD); In silico analysis supports that this variant does not alter splicing

Ambry Genetics
Classification: Uncertain significance for Familial thoracic aortic aneurysm and aortic dissection. Last evaluated: 2021-08-03. Review status: criteria provided, single submitter. Criteria: Ambry Variant Classification Scheme 2023. Collection method: clinical testing. Allele origin: germline.
Comment: The c.7230_7232dupGCC variant (also known as p.P2415dup), located in coding exon 34 of the NOTCH1 gene, results from an in-frame duplication of GCC at nucleotide positions 7230 to 7232. This results in the duplication of an extra residue between codons 2415 and 2416. This amino acid region is not well conserved in available vertebrate species. In addition, this alteration is predicted to be neutral by in silico analysis (Choi Y et al. PLoS ONE. 2012; 7(10):e46688). Since supporting evidence is limited at this time, the clinical significance of this alteration remains unclear.

NM_017617.5(NOTCH1):c.7227GCC[3] (p.Pro2415_Gln2416insPro)

Gene: NOTCH1 (notch receptor 1; minus strand). Cytogenetic location: 9q34.3.
Variant type: Microsatellite.
Coding change: c.7227GCC[3] on transcript NM_017617.5 (MANE Select); three copies in a row of the 3-base unit GCC starting at c.7227; the reference has two copies in a row; one copy, 3 bases duplicated; also written c.7230_7232dup.
Protein change: p.Pro2415_Gln2416insPro.
Molecular consequence: inframe insertion.
Genome position (GRCh38, 1-based): chr9:136,496,507-136,496,509, GGC duplicated on the plus strand (GCC on the coding strand, the reverse complement: NOTCH1 is on the minus strand); duplicating any 3 consecutive bases within chr9:136,496,507-136,496,512 gives the same sequence; the position shown is the placement nearest the transcript's 3' end. VCF-style (leftmost placement, unchanged base first): chr9-136496506-T-TGGC. GRCh37 (hg19) VCF-style: chr9-139390958-T-TGGC.
Other names: c.7230_7232dupGCC (NM_017617.3); c.7230_7232dup (NM_017617.3).
Identifiers: ClinVar variation 1757818 (VCV001757818.4), dbSNP rs750907065, ClinGen allele CA5339724.